The following is an entry in ClinVar:

ClinVar aggregate classification (germline): Uncertain significance (1 of 4 stars; one submission).

Conditions:
Neuromuscular disease caused by qualitative or quantitative defects of dysferlin. Also called: Qualitative or quantitative defects of dysferlin; Dysferlinopathy. Identifiers: Orphanet 207073, MedGen C2931687, MONDO:0016145.

Submission:

Labcorp Genetics (formerly Invitae), Labcorp
Classification: Uncertain significance for Neuromuscular disease caused by qualitative or quantitative defects of dysferlin. Last evaluated: 2021-09-01. Review status: criteria provided, single submitter. Criteria: Invitae Variant Classification Sherloc (09022015). Collection method: clinical testing. Allele origin: germline.
Comment: This sequence change replaces aspartic acid with asparagine at codon 219 of the DYSF protein (p.Asp219Asn). The aspartic acid residue is moderately conserved and there is a small physicochemical difference between aspartic acid and asparagine. This variant is not present in population databases (ExAC no frequency). This variant has not been reported in the literature in individuals affected with DYSF-related conditions. Algorithms developed to predict the effect of missense changes on protein structure and function are either unavailable or do not agree on the potential impact of this missense change (SIFT: "Deleterious"; PolyPhen-2: "Possibly Damaging"; Align-GVGD: "Class C0"). In summary, the available evidence is currently insufficient to determine the role of this variant in disease. Therefore, it has been classified as a Variant of Uncertain Significance.

NM_001130987.2(DYSF):c.751G>A (p.Asp251Asn)

Gene: DYSF (dysferlin; plus strand). Cytogenetic location: 2p13.2.
Variant type: single nucleotide variant.
Coding change: c.751G>A on transcript NM_001130987.2 (MANE Select); coding-DNA position 751, G replaced by A.
Protein change: p.Asp251Asn; replaces aspartic acid 251 with asparagine.
Molecular consequence: missense variant.
Genome position (GRCh38, 1-based): chr2:71,513,913, G>A. VCF-style: chr2-71513913-G-A. GRCh37 (hg19) VCF-style: chr2-71741043-G-A.
Other names: c.658G>A, p.Asp220Asn (NM_001130455.2, NM_001130986.2, NM_001130983.2 and 1 more transcripts); c.655G>A, p.Asp219Asn (NM_001130976.2, NM_001130977.2, NM_001130978.2 and 1 more transcripts); c.748G>A, p.Asp250Asn (NM_001130979.2, NM_001130980.2, NM_001130981.2); c.751G>A, p.Asp251Asn (NM_001130985.2, NM_001130982.2); short protein forms D220N, D219N, D250N, D251N.
Identifiers: ClinVar variation 640205 (VCV000640205.6), dbSNP rs1573644238, ClinGen allele CA347207665.
Genomic context (GRCh38, chr2:71,513,913, plus strand): 5'-GGGATCAAAAGAAAGCGAAGTGCGCCTACATCTAGAAAGCTGCTGTCAGACAAACCGCAG[G>A]ATTTCCAGGTGATGAACGGGCTTTCTCTGACCCCAGGCTCCTCTTCAGCCATCAGCTGCG-3'
Protein context (NP_001124459.1, residues 241-261): SRKLLSDKPQ[Asp251Asn]FQIRVQVIEG